The following is an entry in ClinVar:

NM_000384.3(APOB):c.3923G>A (p.Arg1308Lys)

Gene: APOB (apolipoprotein B; minus strand). Cytogenetic location: 2p24.1.
Variant type: single nucleotide variant.
Coding change: c.3923G>A on transcript NM_000384.3 (MANE Select); coding-DNA position 3923, G replaced by A.
Protein change: p.Arg1308Lys; replaces arginine 1308 with lysine.
Molecular consequence: missense variant.
Genome position (GRCh38, 1-based): chr2:21,013,453, C>T on the plus strand (G>A on the coding strand, the complement: APOB is on the minus strand). VCF-style: chr2-21013453-C-T. GRCh37 (hg19) VCF-style: chr2-21236325-C-T.
Other names: short protein forms R1308K.
Identifiers: ClinVar variation 2952284 (VCV002952284.3), dbSNP rs867061672, ClinGen allele CA43509572.

ClinVar aggregate classification (germline): Uncertain significance (1 of 4 stars; one submission).

Conditions:
Hypercholesterolemia, autosomal dominant, type B (FHCL2). Also called: APOB-Related Familial Hypercholesterolemia, Autosomal Dominant; Familial Hypercholesterolemia Type B; APOLIPOPROTEIN B-100, FAMILIAL DEFECTIVE; APOLIPOPROTEIN B-100, FAMILIAL LIGAND-DEFECTIVE; HYPERCHOLESTEROLEMIA, FAMILIAL, DUE TO LIGAND-DEFECTIVE APOLIPOPROTEIN B; Hyperlipoproteinemia Type IIb. Identifiers: MedGen C1704417, MONDO:0007751, OMIM 144010.
Familial hypobetalipoproteinemia 1. Also called: Hypobetalipoproteinemia, normotriglyceridemic; Acanthocytosis with hypobetalipoproteinemia; APOB-Related Familial Hypobetalipoproteinemia. Identifiers: MedGen C4551990, MONDO:0014252, OMIM 615558.

Submission:

Labcorp Genetics (formerly Invitae), Labcorp
Classification: Uncertain significance for Familial hypobetalipoproteinemia 1; Hypercholesterolemia, autosomal dominant, type B. Last evaluated: 2024-08-21. Review status: criteria provided, single submitter. Criteria: Invitae Variant Classification Sherloc (09022015). Collection method: clinical testing. Allele origin: germline.
Comment: This sequence change replaces arginine, which is basic and polar, with lysine, which is basic and polar, at codon 1308 of the APOB protein (p.Arg1308Lys). This variant is not present in population databases (gnomAD no frequency). This variant has not been reported in the literature in individuals affected with APOB-related conditions. Invitae Evidence Modeling of protein sequence and biophysical properties (such as structural, functional, and spatial information, amino acid conservation, physicochemical variation, residue mobility, and thermodynamic stability) indicates that this missense variant is not expected to disrupt APOB protein function with a negative predictive value of 95%. In summary, the available evidence is currently insufficient to determine the role of this variant in disease. Therefore, it has been classified as a Variant of Uncertain Significance.